The following is an entry in ClinVar:

NM_001195305.3(BBIP1):c.38-6137C>T

Gene: BBIP1 (BBSome interacting protein 1; minus strand). Cytogenetic location: 10q25.2.
Variant type: single nucleotide variant.
Coding change: c.38-6137C>T on transcript NM_001195305.3 (MANE Select); 6137 bases into the intron before coding-DNA position 38, C replaced by T.
Molecular consequence: intron variant. On other transcripts: missense variant (1).
Genome position (GRCh38, 1-based): chr10:110,907,749, G>A on the plus strand (C>T on the coding strand, the complement: BBIP1 is on the minus strand). VCF-style: chr10-110907749-G-A. GRCh37 (hg19) VCF-style: chr10-112667507-G-A.
Other names: c.125C>T, p.Ser42Phe (NM_001195304.2); c.38-6137C>T (NM_001195306.2); c.-29-6137C>T (NM_001243783.3); c.38-7223C>T (NM_001195307.2); short protein forms S42F.
Identifiers: ClinVar variation 2632308 (VCV002632308.3), dbSNP rs866047769, ClinGen allele CA213252071.

ClinVar aggregate classification (germline): Uncertain significance (0 of 4 stars; one submission).

Conditions:
BBIP1-related disorder. Also called: BBIP1-related condition.

Allele frequency attached by ClinVar (database versions not stated): gnomAD 0.00009; gnomAD exomes 0.00010; TOPMed 0.00014.
gnomAD v4.1: 69 of 702,422 alleles (0.0098%); highest among the groups gnomAD compares: Middle Eastern, 0.14%; no homozygotes.

Submission:

PreventionGenetics, part of Exact Sciences
Classification: Uncertain significance for BBIP1-related condition. Last evaluated: 2024-08-27. Review status: no assertion criteria provided. Collection method: clinical testing. Allele origin: germline.
Comment: The BBIP1 c.125C>T variant is predicted to result in the amino acid substitution p.Ser42Phe. To our knowledge, this variant has not been reported in the literature. This variant is reported in 0.012% of alleles in individuals of Latino descent in gnomAD. At this time, the clinical significance of this variant is uncertain due to the absence of conclusive functional and genetic evidence.